The following is an entry in ClinVar:

NM_007118.4(TRIO):c.7822_7826dup (p.Phe2609fs)

Gene: TRIO (trio Rho guanine nucleotide exchange factor; plus strand). Cytogenetic location: 5p15.2.
Variant type: Duplication.
Coding change: c.7822_7826dup on transcript NM_007118.4 (MANE Select); coding-DNA positions 7822 to 7826, 5 bases duplicated (GGCTT; older notation c.7822_7826dupGGCTT).
Protein change: p.Phe2609fs; shifts the reading frame from phenylalanine 2609.
Molecular consequence: frameshift variant. On other transcripts: non-coding transcript variant (1).
Genome position (GRCh38, 1-based): chr5:14,492,756-14,492,760, GGCTT duplicated. VCF-style (leftmost placement, unchanged base first): chr5-14492755-A-AGGCTT. GRCh37 (hg19) VCF-style: chr5-14492864-A-AGGCTT.
Other names: short protein forms F2609fs.
Identifiers: ClinVar variation 4527443 (VCV004527443.1).

ClinVar aggregate classification (germline): Pathogenic (1 of 4 stars; one submission).

Submission:

GeneDx
Classification: Pathogenic. Last evaluated: 2025-04-21. Review status: criteria provided, single submitter. Criteria: GeneDx Variant Classification Process June 2021. Collection method: clinical testing. Allele origin: germline. Affected: yes.
Comment: Frameshift variant predicted to result in protein truncation or nonsense mediated decay in a gene for which loss of function is a known mechanism of disease; Not observed at significant frequency in large population cohorts (gnomAD); Has not been previously published as pathogenic or benign to our knowledge